The following is an entry in ClinVar:

ClinVar aggregate classification (germline): Uncertain significance. Review status: criteria provided, multiple submitters, no conflicts (2 of 4 stars). 4 submissions from 4 submitters: Uncertain significance (4). Last evaluated 2025-10-07.

Conditions:
POLD1-related polyposis and colorectal cancer syndrome (CRCS10). Also called: Colorectal cancer 10; COLORECTAL CANCER, SUSCEPTIBILITY TO, ON CHROMOSOME 19q; Colorectal cancer, susceptibility to, 10. Identifiers: Orphanet 220460, MedGen C2675481, MONDO:0012953, OMIM 612591.
Hereditary cancer-predisposing syndrome. Also called: Neoplastic Syndromes, Hereditary; Hereditary neoplastic syndrome; Tumor predisposition; Hereditary Cancer Syndrome. Identifiers: Orphanet 140162, MedGen C0027672, MeSH D009386, MONDO:0015356.

Allele frequency attached by ClinVar (database versions not stated): TOPMed below 0.00001; gnomAD 0.00001.
gnomAD v4.1: 21 of 1,613,212 alleles (0.0013%); highest among the groups gnomAD compares: Non-Finnish European, 0.0017%; no homozygotes.

Submissions (4):

Ambry Genetics
Classification: Uncertain significance for Hereditary cancer-predisposing syndrome. Last evaluated: 2025-10-07. Review status: criteria provided, single submitter. Criteria: Ambry Variant Classification Scheme 2023. Collection method: clinical testing. Allele origin: germline.
Comment: The p.V695M variant (also known as c.2083G>A), located in coding exon 16 of the POLD1 gene, results from a G to A substitution at nucleotide position 2083. The valine at codon 695 is replaced by methionine, an amino acid with highly similar properties. This amino acid position is not well conserved in available vertebrate species. In addition, this alteration is predicted to be tolerated by in silico analysis. Based on the available evidence, the clinical significance of this variant remains unclear.

Labcorp Genetics (formerly Invitae), Labcorp
Classification: Uncertain significance for POLD1-related polyposis and colorectal cancer syndrome. Last evaluated: 2025-08-13. Review status: criteria provided, single submitter. Criteria: Invitae Variant Classification Sherloc (09022015). Collection method: clinical testing. Allele origin: germline.
Comment: This sequence change replaces valine, which is neutral and non-polar, with methionine, which is neutral and non-polar, at codon 695 of the POLD1 protein (p.Val695Met). This variant is present in population databases (no rsID available, gnomAD 0.01%). This variant has not been reported in the literature in individuals affected with POLD1-related conditions. ClinVar contains an entry for this variant (Variation ID: 421015). Invitae Evidence Modeling of protein sequence and biophysical properties (such as structural, functional, and spatial information, amino acid conservation, physicochemical variation, residue mobility, and thermodynamic stability) indicates that this missense variant is not expected to disrupt POLD1 protein function with a negative predictive value of 80%. RNA analysis performed to evaluate the impact of this missense change on mRNA splicing indicates it does not significantly alter splicing (internal data). In summary, the available evidence is currently insufficient to determine the role of this variant in disease. Therefore, it has been classified as a Variant of Uncertain Significance.

Quest Diagnostics Nichols Institute San Juan Capistrano
Classification: Uncertain significance. Last evaluated: 2019-05-06. Review status: criteria provided, single submitter. Criteria: Quest Diagnostics criteria. Collection method: clinical testing. Allele origin: germline.

GeneDx
Classification: Uncertain significance. Last evaluated: 2019-05-03. Review status: criteria provided, single submitter. Criteria: GeneDx Variant Classification Process June 2021. Collection method: clinical testing. Allele origin: germline. Affected: yes.
Comment: Has not been previously published as pathogenic or benign to our knowledge

NM_002691.4(POLD1):c.2083G>A (p.Val695Met)

Gene: POLD1 (DNA polymerase delta 1, catalytic subunit; plus strand). Cytogenetic location: 19q13.33.
Variant type: single nucleotide variant.
Coding change: c.2083G>A on transcript NM_002691.4 (MANE Select); coding-DNA position 2083, G replaced by A.
Protein change: p.Val695Met; replaces valine 695 with methionine.
Molecular consequence: missense variant. On other transcripts: non-coding transcript variant (1).
Genome position (GRCh38, 1-based): chr19:50,409,595, G>A. VCF-style: chr19-50409595-G-A. GRCh37 (hg19) VCF-style: chr19-50912852-G-A.
Other names: c.2083G>A, p.Val695Met (NM_001256849.1); c.2161G>A, p.Val721Met (NM_001308632.1); c.2083G>A (NM_002691.2); short protein forms V695M, V721M.
Identifiers: ClinVar variation 421015 (VCV000421015.15), dbSNP rs1051419059, ClinGen allele CA16620893.
Genomic context (GRCh38, chr19:50,409,595, plus strand): 5'-GCCAAGGAGACAGACCCCCTCCGGCGCCAGGTCCTGGATGGACGGCAGCTGGCGCTGAAG[G>A]TGAGCGCCAACTCCGTATACGGCTTCACTGGCGCCCAGGTGGGCAAGTTGCCGTGCCTGG-3'
Protein context (NP_002682.2, residues 685-705): VLDGRQLALK[Val695Met]SANSVYGFTG